The following is an entry in ClinVar:

ClinVar aggregate classification (germline): Conflicting classifications of pathogenicity. Review status: criteria provided, conflicting classifications (1 of 4 stars). 2 submissions from 2 submitters: Uncertain significance (1); Likely benign (1). Last evaluated 2025-04-30.

Conditions:
Hereditary cancer-predisposing syndrome. Also called: Tumor predisposition; Neoplastic Syndromes, Hereditary; Hereditary Cancer Syndrome; Hereditary neoplastic syndrome. Identifiers: Orphanet 140162, MedGen C0027672, MeSH D009386, MONDO:0015356.
Neurofibromatosis, type 2 (SWNV). Also called: NF2-Related Schwannomatosis; SCHWANNOMATOSIS, VESTIBULAR; BILATERAL ACOUSTIC NEUROFIBROMATOSIS. Identifiers: Orphanet 637, MedGen C0027832, MONDO:0007039, OMIM 101000. Disease mechanism: loss of function.

Allele frequency attached by ClinVar (database versions not stated): gnomAD 0.00001.
gnomAD v4.1: 4 of 1,614,136 alleles (0.00025%); highest among the groups gnomAD compares: Non-Finnish European, 0.00034%; no homozygotes.

Submissions (2):

Labcorp Genetics (formerly Invitae), Labcorp
Classification: Uncertain significance for Neurofibromatosis, type 2. Last evaluated: 2025-04-30. Review status: criteria provided, single submitter. Criteria: Invitae Variant Classification Sherloc (09022015). Collection method: clinical testing. Allele origin: germline.
Comment: This sequence change replaces histidine, which is basic and polar, with glutamine, which is neutral and polar, at codon 84 of the NF2 protein (p.His84Gln). This variant is present in population databases (rs374512699, gnomAD 0.002%). This variant has not been reported in the literature in individuals affected with NF2-related conditions. ClinVar contains an entry for this variant (Variation ID: 1792680). Invitae Evidence Modeling of protein sequence and biophysical properties (such as structural, functional, and spatial information, amino acid conservation, physicochemical variation, residue mobility, and thermodynamic stability) indicates that this missense variant is not expected to disrupt NF2 protein function with a negative predictive value of 80%. In summary, the available evidence is currently insufficient to determine the role of this variant in disease. Therefore, it has been classified as a Variant of Uncertain Significance.

Ambry Genetics
Classification: Likely benign for Hereditary cancer-predisposing syndrome. Last evaluated: 2024-03-15. Review status: criteria provided, single submitter. Criteria: Ambry Variant Classification Scheme 2023. Collection method: clinical testing. Allele origin: germline.

NM_000268.4(NF2):c.252T>A (p.His84Gln)

Gene: NF2 (NF2, moesin-ezrin-radixin like (MERLIN) tumor suppressor; plus strand). Cytogenetic location: 22q12.2.
Variant type: single nucleotide variant.
Coding change: c.252T>A on transcript NM_000268.4 (MANE Select); coding-DNA position 252, T replaced by A.
Protein change: p.His84Gln; replaces histidine 84 with glutamine.
Molecular consequence: missense variant. On other transcripts: non-coding transcript variant (1), intron variant (3).
Genome position (GRCh38, 1-based): chr22:29,639,101, T>A. VCF-style: chr22-29639101-T-A. GRCh37 (hg19) VCF-style: chr22-30035090-T-A.
Other names: c.138T>A, p.His46Gln (NM_001407053.1, NM_001407056.1); c.126T>A, p.His42Gln (NM_001407055.1, NM_181828.3); c.252T>A, p.His84Gln (NM_001407057.1, NM_001407059.1, NM_001407060.1 and 5 more transcripts); c.-389T>A (NM_001407065.1); c.21T>A, p.His7Gln (NM_001407067.1); c.240+2225T>A (NM_181829.3); c.115-3101T>A (NM_181830.3, NM_181831.3); short protein forms H84Q, H42Q, H7Q, H46Q.
Identifiers: ClinVar variation 1792680 (VCV001792680.8), dbSNP rs374512699, ClinGen allele CA030413.
Genomic context (GRCh38, chr22:29,639,101, plus strand): 5'-GAGGAAGTGCCAATATAGTGTGTTTGTCTTTTGCTCTGCAATTCTGCAGGTACTGGATCA[T>A]GATGTTTCAAAGGAAGAACCAGTCACCTTTCACTTCTTGGCCAAATTTTATCCTGAGAAT-3'
Protein context (NP_000259.1, residues 74-94): WLKMDKKVLD[His84Gln]DVSKEEPVTF